The following is an entry in ClinVar:

ClinVar aggregate classification (germline): Pathogenic (1 of 4 stars; one submission).

Conditions:
Congenital myasthenic syndrome 10. Also called: Myasthenia, limb-girdle, familial. Identifiers: Orphanet 590, MedGen C1850792, MONDO:0009690, OMIM 254300.
Fetal akinesia deformation sequence 1 (FADS1). Also called: Pena-Shokeir syndrome type I; Fetal akinesia sequence. Identifiers: Orphanet 994, MedGen C1276035, MONDO:0100101, OMIM 208150, HP:0001989.

Submission:

Labcorp Genetics (formerly Invitae), Labcorp
Classification: Pathogenic for Congenital myasthenic syndrome 10; Fetal akinesia deformation sequence 1. Last evaluated: 2023-06-18. Review status: criteria provided, single submitter. Criteria: Invitae Variant Classification Sherloc (09022015). Collection method: clinical testing. Allele origin: germline.
Comment: This variant has not been reported in the literature in individuals affected with DOK7-related conditions. This variant is not present in population databases (gnomAD no frequency). This sequence change creates a premature translational stop signal (p.Gly166*) in the DOK7 gene. It is expected to result in an absent or disrupted protein product. Loss-of-function variants in DOK7 are known to be pathogenic (PMID: 16794080, 16917026, 18626973, 19261599). For these reasons, this variant has been classified as Pathogenic.

Literature cited by the submitters: PubMed 16794080; PubMed 16917026; PubMed 18626973; PubMed 19261599.

NM_173660.5(DOK7):c.496G>T (p.Gly166Ter)

Gene: DOK7 (docking protein 7; plus strand). Cytogenetic location: 4p16.3.
Variant type: single nucleotide variant.
Coding change: c.496G>T on transcript NM_173660.5 (MANE Select); coding-DNA position 496, G replaced by T.
Protein change: p.Gly166Ter; replaces glycine 166 with a stop codon.
Molecular consequence: nonsense. On other transcripts: intron variant (1).
Genome position (GRCh38, 1-based): chr4:3,476,506, G>T. VCF-style: chr4-3476506-G-T. GRCh37 (hg19) VCF-style: chr4-3478233-G-T.
Other names: c.496G>T, p.Gly166Ter (NM_001164673.2, NM_001301071.2); c.101-9033G>T (NM_001363811.2); short protein forms G166*.
Identifiers: ClinVar variation 2949011 (VCV002949011.3), dbSNP rs781227659, ClinGen allele CA356114445.